The following is an entry in ClinVar:

ClinVar aggregate classification (germline): Benign/Likely benign. Review status: criteria provided, multiple submitters, no conflicts (2 of 4 stars). 4 submissions from 4 submitters: Benign (1); Likely benign (2). 1 of the submissions does not count toward it. Last evaluated 2026-07-01.

Conditions:
MTOR-related disorder. Also called: MTOR-related condition.

Allele frequency attached by ClinVar (database versions not stated): gnomAD 0.00002; ExAC 0.00007; gnomAD exomes 0.00007 and 0.00014; TOPMed 0.00010.
gnomAD v4.1: 46 of 1,612,944 alleles (0.0029%); highest among the groups gnomAD compares: Admixed American, 0.075%; no homozygotes.

Submissions (4):

CeGaT Center for Human Genetics Tuebingen
Classification: Likely benign. Last evaluated: 2026-07-01. Review status: criteria provided, single submitter. Criteria: CeGaT Center For Human Genetics Tuebingen Variant Classification Criteria Version 2. Collection method: clinical testing. Allele origin: germline. Affected: yes. Observed: 1 variant allele.
Comment: MTOR: BP4, BP7

Labcorp Genetics (formerly Invitae), Labcorp
Classification: Likely benign. Last evaluated: 2026-01-26. Review status: criteria provided, single submitter. Criteria: Invitae Variant Classification Sherloc (09022015). Collection method: clinical testing. Allele origin: germline.

GeneDx
Classification: Benign. Last evaluated: 2020-04-10. Review status: criteria provided, single submitter. Criteria: GeneDx Variant Classification Process June 2021. Collection method: clinical testing. Allele origin: germline. Affected: yes.

PreventionGenetics, part of Exact Sciences
Classification: Likely benign for MTOR-related condition. Last evaluated: 2019-07-18. Review status: no assertion criteria provided. Collection method: clinical testing. Allele origin: germline. Not counted in ClinVar's aggregate classification.
Comment: This variant is classified as likely benign based on ACMG/AMP sequence variant interpretation guidelines (Richards et al. 2015 PMID: 25741868, with internal and published modifications).

NM_004958.4(MTOR):c.6585T>C (p.Asp2195=)

Gene: MTOR (mechanistic target of rapamycin kinase; minus strand). Cytogenetic location: 1p36.22.
Variant type: single nucleotide variant.
Coding change: c.6585T>C on transcript NM_004958.4 (MANE Select); coding-DNA position 6585, T replaced by C.
Protein change: p.Asp2195=; no amino-acid change (aspartic acid 2195 retained).
Molecular consequence: synonymous variant.
Genome position (GRCh38, 1-based): chr1:11,124,575, A>G on the plus strand (T>C on the coding strand, the complement: MTOR is on the minus strand). VCF-style: chr1-11124575-A-G. GRCh37 (hg19) VCF-style: chr1-11184632-A-G.
Identifiers: ClinVar variation 698674 (VCV000698674.15), dbSNP rs753584607, ClinGen allele CA589059.